The following is an entry in ClinVar:

NM_000235.4(LIPA):c.781T>C (p.Cys261Arg)

Gene: LIPA (lipase A, lysosomal acid type; minus strand). Cytogenetic location: 10q23.31.
Variant type: single nucleotide variant.
Coding change: c.781T>C on transcript NM_000235.4 (MANE Select); coding-DNA position 781, T replaced by C.
Protein change: p.Cys261Arg; replaces cysteine 261 with arginine.
Molecular consequence: missense variant.
Genome position (GRCh38, 1-based): chr10:89,223,725, A>G on the plus strand (T>C on the coding strand, the complement: LIPA is on the minus strand). VCF-style: chr10-89223725-A-G. GRCh37 (hg19) VCF-style: chr10-90983482-A-G.
Other names: c.781T>C, p.Cys261Arg (NM_001127605.3); c.433T>C, p.Cys145Arg (NM_001288979.2); short protein forms C145R, C261R.
Identifiers: ClinVar variation 1021306 (VCV001021306.6), dbSNP rs1842730482, ClinGen allele CA377516906.

ClinVar aggregate classification (germline): Uncertain significance (1 of 4 stars; one submission).

Conditions:
Wolman disease (WOLD). Also called: LYSOSOMAL ACID LIPASE DEFICIENCY, ACUTE INFANTILE; LYSOSOMAL ACID LIPASE DEFICIENCY, COMPLETE; LIPA DEFICIENCY, COMPLETE; LAL DEFICIENCY, COMPLETE; CHOLESTEROL ESTER HYDROLASE DEFICIENCY, COMPLETE; Infantile-Onset LAL-D (Wolman Disease). Identifiers: Orphanet 75233, MedGen C0043208, MONDO:0019148, OMIM 620151.

Allele frequency attached by ClinVar (database versions not stated): gnomAD exomes below 0.00001.
gnomAD v4.1: 1 of 1,613,458 alleles (0.000062%); highest among the groups gnomAD compares: Non-Finnish European, 0.000085%; no homozygotes.

Submission:

Labcorp Genetics (formerly Invitae), Labcorp
Classification: Uncertain significance for Wolman disease. Last evaluated: 2021-08-12. Review status: criteria provided, single submitter. Criteria: Invitae Variant Classification Sherloc (09022015). Collection method: clinical testing. Allele origin: germline.
Comment: This sequence change replaces cysteine with arginine at codon 261 of the LIPA protein (p.Cys261Arg). The cysteine residue is weakly conserved and there is a large physicochemical difference between cysteine and arginine. This variant is not present in population databases (ExAC no frequency). This missense change has been observed in individual(s) with clinical features of LIPA-related conditions (Invitae). Algorithms developed to predict the effect of missense changes on protein structure and function (SIFT, PolyPhen-2, Align-GVGD) all suggest that this variant is likely to be tolerated. In summary, the available evidence is currently insufficient to determine the role of this variant in disease. Therefore, it has been classified as a Variant of Uncertain Significance.